The following is an entry in ClinVar:

NM_030667.3(PTPRO):c.1836G>A (p.Thr612=)

Gene: PTPRO (protein tyrosine phosphatase receptor type O; plus strand). Cytogenetic location: 12p12.3.
Variant type: single nucleotide variant.
Coding change: c.1836G>A on transcript NM_030667.3 (MANE Select); coding-DNA position 1836, G replaced by A.
Protein change: p.Thr612=; no amino-acid change (threonine 612 retained).
Molecular consequence: synonymous variant.
Genome position (GRCh38, 1-based): chr12:15,520,257, G>A. VCF-style: chr12-15520257-G-A. GRCh37 (hg19) VCF-style: chr12-15673191-G-A.
Other names: c.1836G>A, p.Thr612= (NM_002848.4).
Identifiers: ClinVar variation 3036640 (VCV003036640.2), dbSNP rs780502857, ClinGen allele CA6466644.
Genomic context (GRCh38, chr12:15,520,257, plus strand): 5'-TCAGAGAATAGCTAATCTGCTGCCAGCATGGTACTACAACTTCCGGGTTACCATGGTGAC[G>A]TGGGGAGATCCAGAATTGAGCTGCTGTGACAGCTCTACCATCAGCTTCATAACAGGTGAG-3'
Protein context (NP_109592.1, residues 602-622): WYYNFRVTMV[Thr612=]WGDPELSCCD

ClinVar aggregate classification (germline): Likely benign (0 of 4 stars; one submission).

Conditions:
PTPRO-related disorder. Also called: PTPRO-related condition.

Allele frequency attached by ClinVar (database versions not stated): gnomAD 0.00003; gnomAD exomes 0.00004; TOPMed 0.00008; ExAC 0.00012.
gnomAD v4.1: 68 of 1,613,794 alleles (0.0042%); highest among the groups gnomAD compares: East Asian, 0.056%; no homozygotes.

Submission:

PreventionGenetics, part of Exact Sciences
Classification: Likely benign for PTPRO-related condition. Last evaluated: 2021-09-13. Review status: no assertion criteria provided. Collection method: clinical testing. Allele origin: germline.
Comment: This variant is classified as likely benign based on ACMG/AMP sequence variant interpretation guidelines (Richards et al. 2015 PMID: 25741868, with internal and published modifications).